The following is an entry in ClinVar:

NM_021830.5(TWNK):c.953C>T (p.Ala318Val)

Gene: TWNK (twinkle mtDNA helicase; plus strand). Cytogenetic location: 10q24.31.
Variant type: single nucleotide variant.
Coding change: c.953C>T on transcript NM_021830.5 (MANE Select); coding-DNA position 953, C replaced by T.
Protein change: p.Ala318Val; replaces alanine 318 with valine.
Molecular consequence: missense variant. On other transcripts: non-coding transcript variant (4), intron variant (3).
Genome position (GRCh38, 1-based): chr10:100,989,163, C>T. VCF-style: chr10-100989163-C-T. GRCh37 (hg19) VCF-style: chr10-102748920-C-T.
Other names: c.953C>T, p.Ala318Val (NM_001163812.2); c.-119-481C>T (NM_001163814.2, NM_001163813.2); c.-57-543C>T (NM_001368275.1); short protein forms A318V.
Identifiers: ClinVar variation 4806600 (VCV004806600.1).

ClinVar aggregate classification (germline): Uncertain significance (1 of 4 stars; one submission).

Submission:

Labcorp Genetics (formerly Invitae), Labcorp
Classification: Uncertain significance. Last evaluated: 2025-11-25. Review status: criteria provided, single submitter. Criteria: Invitae Variant Classification Sherloc (09022015). Collection method: clinical testing. Allele origin: germline.
Comment: This sequence change replaces alanine, which is neutral and non-polar, with valine, which is neutral and non-polar, at codon 318 of the TWNK protein (p.Ala318Val). This variant is not present in population databases (gnomAD no frequency). This variant has not been reported in the literature in individuals affected with TWNK-related conditions. Invitae Evidence Modeling of protein sequence and biophysical properties (such as structural, functional, and spatial information, amino acid conservation, physicochemical variation, residue mobility, and thermodynamic stability) has been performed for this missense variant. However, the output from this modeling did not meet the statistical confidence thresholds required to predict the impact of this variant on TWNK protein function. This variant disrupts the p.Ala318 amino acid residue in TWNK. Other variant(s) that disrupt this residue have been determined to be pathogenic (PMID: 17921179, 20659899). This suggests that this residue is clinically significant, and that variants that disrupt this residue are likely to be disease-causing. In summary, the available evidence is currently insufficient to determine the role of this variant in disease. Therefore, it has been classified as a Variant of Uncertain Significance.

Literature cited by the submitters: PubMed 17921179; PubMed 20659899.